The following is an entry in ClinVar:

NM_015213.4(DENND5A):c.592C>T (p.Arg198Trp)

Gene: DENND5A (DENN domain containing 5A; minus strand). Cytogenetic location: 11p15.4.
Variant type: single nucleotide variant.
Coding change: c.592C>T on transcript NM_015213.4 (MANE Select); coding-DNA position 592, C replaced by T.
Protein change: p.Arg198Trp; replaces arginine 198 with tryptophan.
Molecular consequence: missense variant. On other transcripts: non-coding transcript variant (1).
Genome position (GRCh38, 1-based): chr11:9,204,017, G>A on the plus strand (C>T on the coding strand, the complement: DENND5A is on the minus strand). VCF-style: chr11-9204017-G-A. GRCh37 (hg19) VCF-style: chr11-9225564-G-A.
Other names: c.592C>T, p.Arg198Trp (NM_001243254.2); c.520C>T, p.Arg174Trp (NM_001348749.2); c.304C>T, p.Arg102Trp (NM_001348750.2); short protein forms R102W, R198W, R174W.
Identifiers: ClinVar variation 4617237 (VCV004617237.3).

ClinVar aggregate classification (germline): Uncertain significance. Review status: criteria provided, multiple submitters, no conflicts (2 of 4 stars). 3 submissions from 3 submitters: Uncertain significance (3). Last evaluated 2026-01-03.

Conditions:
Inborn genetic diseases. Identifiers: MedGen C0950123, MeSH D030342.

gnomAD v4.1: 34 of 1,613,948 alleles (0.0021%); highest among the groups gnomAD compares: Non-Finnish European, 0.0025%; no homozygotes.

Submissions (3):

Labcorp Genetics (formerly Invitae), Labcorp
Classification: Uncertain significance. Last evaluated: 2026-01-03. Review status: criteria provided, single submitter. Criteria: Invitae Variant Classification Sherloc (09022015). Collection method: clinical testing. Allele origin: germline.
Comment: This sequence change replaces arginine, which is basic and polar, with tryptophan, which is neutral and slightly polar, at codon 198 of the DENND5A protein (p.Arg198Trp). This variant is present in population databases (rs373169544, gnomAD 0.0009%). This variant has not been reported in the literature in individuals affected with DENND5A-related conditions. Invitae Evidence Modeling of protein sequence and biophysical properties (such as structural, functional, and spatial information, amino acid conservation, physicochemical variation, residue mobility, and thermodynamic stability) indicates that this missense variant is not expected to disrupt DENND5A protein function with a negative predictive value of 80%. In summary, the available evidence is currently insufficient to determine the role of this variant in disease. Therefore, it has been classified as a Variant of Uncertain Significance.

Ambry Genetics
Classification: Uncertain significance for Inborn genetic diseases. Last evaluated: 2025-09-21. Review status: criteria provided, single submitter. Criteria: Ambry Variant Classification Scheme 2023. Collection method: clinical testing. Allele origin: germline.

Blueprint Genetics
Classification: Uncertain significance. Last evaluated: 2024-09-11. Review status: criteria provided, single submitter. Criteria: ACMG Guidelines, 2015. Collection method: clinical testing. Allele origin: germline.